The following is an entry in ClinVar:

NM_001256317.3(TMPRSS3):c.933C>T (p.Ala311=)

Gene: TMPRSS3 (transmembrane serine protease 3; minus strand). Cytogenetic location: 21q22.3.
Variant type: single nucleotide variant.
Coding change: c.933C>T on transcript NM_001256317.3 (MANE Select); coding-DNA position 933, C replaced by T.
Protein change: p.Ala311=; no amino-acid change (alanine 311 retained).
Molecular consequence: synonymous variant.
Genome position (GRCh38, 1-based): chr21:42,382,084, G>A on the plus strand (C>T on the coding strand, the complement: TMPRSS3 is on the minus strand). VCF-style: chr21-42382084-G-A. GRCh37 (hg19) VCF-style: chr21-43802193-G-A.
Other names: c.933C>T, p.Ala311= (NM_024022.4, NM_032405.2); c.552C>T, p.Ala184= (NM_032404.3).
Identifiers: ClinVar variation 46132 (VCV000046132.21), dbSNP rs145235893, ClinGen allele CA137730.

ClinVar aggregate classification (germline): Benign/Likely benign. Review status: criteria provided, multiple submitters, no conflicts (2 of 4 stars). 5 submissions from 5 submitters: Benign (3); Likely benign (2). Last evaluated 2026-01-25.

Conditions:
Autosomal recessive nonsyndromic hearing loss 8 (DFNB8). Also called: Deafness, autosomal recessive 10; NEUROSENSORY NONSYNDROMIC RECESSIVE DEAFNESS 8. Identifiers: Orphanet 90636, MedGen C1832827, MONDO:0010987, OMIM 601072.

Allele frequency attached by ClinVar (database versions not stated): ExAC 0.00051; TOPMed 0.00146; gnomAD 0.00153; ESP Exome Variant Server 0.00192; 1000 Genomes Project 30x 0.00250; 1000 Genomes Project 0.00260.

Submissions (5):

Labcorp Genetics (formerly Invitae), Labcorp
Classification: Benign. Last evaluated: 2026-01-25. Review status: criteria provided, single submitter. Criteria: Invitae Variant Classification Sherloc (09022015). Collection method: clinical testing. Allele origin: germline.

Blueprint Genetics
Classification: Likely benign. Last evaluated: 2024-06-10. Review status: criteria provided, single submitter. Criteria: ACMG Guidelines, 2015. Collection method: clinical testing. Allele origin: germline.

GeneDx
Classification: Likely benign. Last evaluated: 2021-06-15. Review status: criteria provided, single submitter. Criteria: GeneDx Variant Classification Process June 2021. Collection method: clinical testing. Allele origin: germline. Affected: yes.

ARUP Laboratories, Molecular Genetics and Genomics, ARUP Laboratories
Classification: Benign for Autosomal recessive nonsyndromic hearing loss 8. Last evaluated: 2018-08-31. Review status: criteria provided, single submitter. Criteria: ARUP Molecular Germline Variant Investigation Process. Collection method: clinical testing. Allele origin: germline.

Laboratory for Molecular Medicine, Mass General Brigham Personalized Medicine
Classification: Benign. Last evaluated: 2014-08-11. Review status: criteria provided, single submitter. Criteria: LMM Criteria. Collection method: clinical testing. Allele origin: germline. Observed: 2 variant alleles.
Comment: Ala311Ala in Exon 09A of TMPRSS3: This variant is not expected to have clinical significance because it does not alter an amino acid residue, is not located wit hin the splice consensus sequence, and has been identified in 0.6% (25/4406) of African American chromosomes from a broad population by the NHLBI Exome Sequenci ng Project (dbSNP rs145235893).